The following is an entry in ClinVar:

NM_007294.4(BRCA1):c.4187_4189del (p.Gln1396del)

Gene: BRCA1 (BRCA1 DNA repair associated; minus strand). Cytogenetic location: 17q21.31.
Variant type: Deletion.
Coding change: c.4187_4189del on transcript NM_007294.4 (MANE Select); coding-DNA positions 4187 to 4189, 3 bases deleted (AGA; older notation c.4187_4189delAGA).
Protein change: p.Gln1396del; deletes glutamine 1396.
Molecular consequence: inframe deletion. On other transcripts: inframe indel (281), non-coding transcript variant (1).
Genome position (GRCh38, 1-based): chr17:43,082,572-43,082,574, TCT deleted on the plus strand (AGA on the coding strand, the reverse complement: BRCA1 is on the minus strand). VCF-style (leftmost placement, unchanged base first): chr17-43082571-CTCT-C. GRCh37 (hg19) VCF-style: chr17-41234588-CTCT-C.
Other names: c.878_880delAGA, p.Gln293del (NM_001407993.1, NM_007298.4, NM_007304.2 and 8 more transcripts); c.875_877delAGA, p.Gln292del (NM_001408392.1, NM_001408396.1, NM_001408397.1 and 9 more transcripts); c.869_871delAGA, p.Gln290del (NM_001408408.1); c.800_802delAGA, p.Gln267del (NM_001408409.1, NM_001408411.1, NM_001408412.1 and 2 more transcripts); c.3974_3976delAGA, p.Gln1325del (NM_001407571.1, NM_001407853.1, NM_001407894.1 and 8 more transcripts); c.737_739delAGA, p.Gln246del (NM_001408410.1, NM_001408452.1, NM_001408453.1 and 8 more transcripts); c.4187_4189delAGA, p.Gln1396del (NM_001407581.1, NM_001407582.1, NM_001407583.1 and 22 more transcripts); c.797_799delAGA, p.Gln266del (NM_001408413.1, NM_001408416.1); and 40 more; short protein forms Q1396del, Q1349del, Q293del, Q1269del, Q1284del, Q1329del, Q1369del, Q166del.
Identifiers: ClinVar variation 182116 (VCV000182116.3), dbSNP rs730881463, ClinGen allele CA002701.

ClinVar aggregate classification (germline): Uncertain significance (1 of 4 stars; one submission).

Submission:

GeneDx
Classification: Uncertain significance. Last evaluated: 2017-11-28. Review status: criteria provided, single submitter. Criteria: GeneDx Variant Classification (06012015). Collection method: clinical testing. Allele origin: germline. Affected: yes.
Comment: This deletion of 3 nucleotides in BRCA1 is denoted c.4187_4189delAGA at the cDNA level and p.Gln1396del at the protein level. The normal sequence, with the bases that are deleted in brackets, is AAGC[delAGA]GGGA. This in frame deletion of a single Glutamine residue occurs at a position that is highly conserved throughout evolution and is not located in a known functional domain. This variant has not, to our knowledge, been published in the literature as pathogenic or benign. However, a nearby variant causing the same protein change, c.4183_4185delCAG (4304delCAG using alternate nomenclature), was observed in two individuals with breast cancer and a family history of breast and/or ovarian cancer (Balz 2002). In addition, another nearby variant resulting in the same protein change, c.4186_4188del, was identified in blood and breast tissues from healthy controls (Colombo 2014). Since in frame deletions may or may not inhibit proper protein functioning, the clinical significance of this finding remains unclear at this time and we consider BRCA1 Gln1396del to be a variant of uncertain significance.